The following is an entry in ClinVar:

NM_000465.4(BARD1):c.1649A>G (p.Glu550Gly)

Gene: BARD1 (BRCA1 associated RING domain 1; minus strand). Cytogenetic location: 2q35.
Variant type: single nucleotide variant.
Coding change: c.1649A>G on transcript NM_000465.4 (MANE Select); coding-DNA position 1649, A replaced by G.
Protein change: p.Glu550Gly; replaces glutamic acid 550 with glycine.
Molecular consequence: missense variant. On other transcripts: non-coding transcript variant (3), intron variant (1).
Genome position (GRCh38, 1-based): chr2:214,752,475, T>C on the plus strand (A>G on the coding strand, the complement: BARD1 is on the minus strand). VCF-style: chr2-214752475-T-C. GRCh37 (hg19) VCF-style: chr2-215617199-T-C.
Other names: c.1592A>G, p.Glu531Gly (NM_001282543.2); c.296A>G, p.Glu99Gly (NM_001282545.2); c.239A>G, p.Glu80Gly (NM_001282548.2); c.365-21967A>G (NM_001282549.2); short protein forms E550G, E531G, E80G, E99G.
Identifiers: ClinVar variation 1777199 (VCV001777199.2), dbSNP rs2469377859, ClinGen allele CA350454654.

ClinVar aggregate classification (germline): Uncertain significance (1 of 4 stars; one submission).

Conditions:
Hereditary cancer-predisposing syndrome. Also called: Neoplastic Syndromes, Hereditary; Tumor predisposition; Hereditary Cancer Syndrome; Hereditary neoplastic syndrome. Identifiers: Orphanet 140162, MedGen C0027672, MeSH D009386, MONDO:0015356.

Submission:

Ambry Genetics
Classification: Uncertain significance for Hereditary cancer-predisposing syndrome. Last evaluated: 2020-01-09. Review status: criteria provided, single submitter. Criteria: Ambry Variant Classification Scheme 2023. Collection method: clinical testing. Allele origin: germline.
Comment: The p.E550G variant (also known as c.1649A>G), located in coding exon 7 of the BARD1 gene, results from an A to G substitution at nucleotide position 1649. The glutamic acid at codon 550 is replaced by glycine, an amino acid with similar properties. This amino acid position is not well conserved in available vertebrate species. In addition, the in silico prediction for this alteration is inconclusive. Since supporting evidence is limited at this time, the clinical significance of this alteration remains unclear.